The following is an entry in ClinVar:

NM_004415.4(DSP):c.1568C>T (p.Ser523Phe)

Gene: DSP (desmoplakin; plus strand). Cytogenetic location: 6p24.3.
Variant type: single nucleotide variant.
Coding change: c.1568C>T on transcript NM_004415.4 (MANE Select); coding-DNA position 1568, C replaced by T.
Protein change: p.Ser523Phe; replaces serine 523 with phenylalanine.
Molecular consequence: missense variant.
Genome position (GRCh38, 1-based): chr6:7,569,334, C>T. VCF-style: chr6-7569334-C-T. GRCh37 (hg19) VCF-style: chr6-7569567-C-T.
Other names: c.1568C>T (LRG_423t1); c.1568C>T, p.Ser523Phe (NM_001008844.3, NM_001319034.2); short protein forms S523F.
Identifiers: ClinVar variation 641625 (VCV000641625.9), dbSNP rs1276338018, ClinGen allele CA362677868.

ClinVar aggregate classification (germline): Conflicting classifications of pathogenicity. Review status: criteria provided, conflicting classifications (1 of 4 stars). 3 submissions from 3 submitters: Uncertain significance (2); Likely benign (1). Last evaluated 2025-03-19.

Conditions:
Cardiovascular phenotype. Identifiers: MedGen CN230736.
Arrhythmogenic cardiomyopathy with wooly hair and keratoderma. Also called: Dilated cardiomyopathy with woolly hair and keratoderma; Arrhythmogenic cardiomyopathy with woolly hair and keratoderma; PALMOPLANTAR KERATODERMA WITH LEFT VENTRICULAR CARDIOMYOPATHY AND WOOLLY HAIR; Carvajal syndrome. Identifiers: Orphanet 65282, MedGen C1854063, MONDO:0011581, OMIM 605676.
Arrhythmogenic right ventricular dysplasia 8 (ARVD8). Also called: ARRHYTHMOGENIC RIGHT VENTRICULAR DYSPLASIA, FAMILIAL, 8; ARRHYTHMOGENIC RIGHT VENTRICULAR CARDIOMYOPATHY 8; Arrhythmogenic Right Ventricular Dysplasia/Cardiomyopathy 8. Identifiers: MedGen C1843896, MONDO:0011831, OMIM 607450.

Allele frequency attached by ClinVar (database versions not stated): gnomAD exomes below 0.00001 and 0.00001; TOPMed 0.00001.
gnomAD v4.1: 2 of 1,614,190 alleles (0.00012%); highest among the groups gnomAD compares: Admixed American, 0.0033%; no homozygotes.

Submissions (3):

Labcorp Genetics (formerly Invitae), Labcorp
Classification: Likely benign for Arrhythmogenic cardiomyopathy with wooly hair and keratoderma; Arrhythmogenic right ventricular dysplasia 8. Last evaluated: 2025-03-19. Review status: criteria provided, single submitter. Criteria: Invitae Variant Classification Sherloc (09022015). Collection method: clinical testing. Allele origin: germline.

All of Us Research Program, National Institutes of Health
Classification: Uncertain significance for Arrhythmogenic cardiomyopathy with wooly hair and keratoderma. Last evaluated: 2024-06-11. Review status: criteria provided, single submitter. Criteria: ACMG Guidelines, 2015. Collection method: clinical testing. Allele origin: germline. Inheritance: Autosomal dominant inheritance. Observed: 1 variant allele, 1 heterozygote.
Comment: This study involves interpretation of variants in research participants for the purpose of population health screening. Participant phenotype was not available at the time of variant classification. Additional details can be found in publication PMID: 35346344, PMCID: PMC8962531

Ambry Genetics
Classification: Uncertain significance for Cardiovascular phenotype. Last evaluated: 2019-07-31. Review status: criteria provided, single submitter. Criteria: Ambry Variant Classification Scheme 2023. Collection method: clinical testing. Allele origin: germline.
Comment: The p.S523F variant (also known as c.1568C>T), located in coding exon 12 of the DSP gene, results from a C to T substitution at nucleotide position 1568. The serine at codon 523 is replaced by phenylalanine, an amino acid with highly dissimilar properties. This amino acid position is not well conserved in available vertebrate species. In addition, the in silico prediction for this alteration is inconclusive. Since supporting evidence is limited at this time, the clinical significance of this alteration remains unclear.